The following is an entry in ClinVar:

NM_002691.4(POLD1):c.2174G>A (p.Arg725His)

Gene: POLD1 (DNA polymerase delta 1, catalytic subunit; plus strand). Cytogenetic location: 19q13.33.
Variant type: single nucleotide variant.
Coding change: c.2174G>A on transcript NM_002691.4 (MANE Select); coding-DNA position 2174, G replaced by A.
Protein change: p.Arg725His; replaces arginine 725 with histidine.
Molecular consequence: missense variant. On other transcripts: non-coding transcript variant (1).
Genome position (GRCh38, 1-based): chr19:50,413,445, G>A. VCF-style: chr19-50413445-G-A. GRCh37 (hg19) VCF-style: chr19-50916702-G-A.
Other names: c.2174G>A, p.Arg725His (NM_001256849.1); c.2252G>A, p.Arg751His (NM_001308632.1); short protein forms R725H, R751H.
Identifiers: ClinVar variation 838641 (VCV000838641.10), dbSNP rs2039157646, ClinGen allele CA406983506.

ClinVar aggregate classification (germline): Uncertain significance. Review status: criteria provided, multiple submitters, no conflicts (2 of 4 stars). 2 submissions from 2 submitters: Uncertain significance (2). Last evaluated 2022-06-21.

Conditions:
Hereditary cancer-predisposing syndrome. Also called: Tumor predisposition; Hereditary Cancer Syndrome; Hereditary neoplastic syndrome; Neoplastic Syndromes, Hereditary. Identifiers: Orphanet 140162, MedGen C0027672, MeSH D009386, MONDO:0015356.
POLD1-related polyposis and colorectal cancer syndrome (CRCS10). Also called: Colorectal cancer 10; COLORECTAL CANCER, SUSCEPTIBILITY TO, ON CHROMOSOME 19q; Colorectal cancer, susceptibility to, 10. Identifiers: Orphanet 220460, MedGen C2675481, MONDO:0012953, OMIM 612591.

Submissions (2):

Ambry Genetics
Classification: Uncertain significance for Hereditary cancer-predisposing syndrome. Last evaluated: 2022-06-21. Review status: criteria provided, single submitter. Criteria: Ambry Variant Classification Scheme 2023. Collection method: clinical testing. Allele origin: germline.
Comment: The p.R725H variant (also known as c.2174G>A), located in coding exon 17 of the POLD1 gene, results from a G to A substitution at nucleotide position 2174. The arginine at codon 725 is replaced by histidine, an amino acid with highly similar properties. This amino acid position is conserved. In addition, this alteration is predicted to be deleterious by in silico analysis. Since supporting evidence is limited at this time, the clinical significance of this alteration remains unclear.

Labcorp Genetics (formerly Invitae), Labcorp
Classification: Uncertain significance for POLD1-related polyposis and colorectal cancer syndrome. Last evaluated: 2019-03-21. Review status: criteria provided, single submitter. Criteria: Invitae Variant Classification Sherloc (09022015). Collection method: clinical testing. Allele origin: germline.
Comment: In summary, the available evidence is currently insufficient to determine the role of this variant in disease. Therefore, it has been classified as a Variant of Uncertain Significance. This variant is not present in population databases (ExAC no frequency). This variant has not been reported in the literature in individuals with POLD1-related conditions. Algorithms developed to predict the effect of missense changes on protein structure and function are either unavailable or do not agree on the potential impact of this missense change (SIFT: "Deleterious"; PolyPhen-2: "Probably Damaging"; Align-GVGD: "Class C0"). This sequence change replaces arginine with histidine at codon 725 of the POLD1 protein (p.Arg725His). The arginine residue is highly conserved and there is a small physicochemical difference between arginine and histidine.